The following is an entry in ClinVar:

NM_002474.3(MYH11):c.4507G>A (p.Glu1503Lys)

Genes: NDE1 (nudE neurodevelopment protein 1; plus strand), MYH11 (myosin heavy chain 11; minus strand). Cytogenetic location: 16p13.11.
Variant type: single nucleotide variant.
Coding change: c.4507G>A on transcript NM_002474.3 (MANE Select); coding-DNA position 4507, G replaced by A.
Protein change: p.Glu1503Lys; replaces glutamic acid 1503 with lysine.
Molecular consequence: missense variant. On other transcripts: intron variant (2).
Genome position (GRCh38, 1-based): chr16:15,721,493, C>T on the plus strand (G>A on the coding strand, the complement: MYH11 is on the minus strand). VCF-style: chr16-15721493-C-T. GRCh37 (hg19) VCF-style: chr16-15815350-C-T.
Other names: c.4528G>A, p.Glu1510Lys (NM_001040113.2, NM_001040114.2); c.4507G>A, p.Glu1503Lys (NM_022844.3); c.948-2698C>T (NM_001143979.2, NM_017668.3); short protein forms E1503K, E1510K.
Identifiers: ClinVar variation 1171343 (VCV001171343.6), dbSNP rs766093291, ClinGen allele CA7921656.

ClinVar aggregate classification (germline): Uncertain significance. Review status: criteria provided, multiple submitters, no conflicts (2 of 4 stars). 2 submissions from 2 submitters: Uncertain significance (2). Last evaluated 2024-03-06.

Conditions:
Aortic aneurysm, familial thoracic 4 (AAT4). Also called: AORTIC ANEURYSM/AORTIC DISSECTION AND PATENT DUCTUS ARTERIOSUS. Identifiers: MedGen C1851504, MONDO:0007568, OMIM 132900.
Familial thoracic aortic aneurysm and aortic dissection (TAAD). Also called: Thoracic aortic aneurysms and dissections. Identifiers: Orphanet 91387, MedGen C4707243, MONDO:0019625.

Allele frequency attached by ClinVar (database versions not stated): gnomAD exomes below 0.00001 and 0.00001; ExAC 0.00001.
gnomAD v4.1: 4 of 1,614,194 alleles (0.00025%); highest among the groups gnomAD compares: Non-Finnish European, 0.00034%; no homozygotes.

Submissions (2):

Color Diagnostics, LLC DBA Color Health
Classification: Uncertain significance for Familial thoracic aortic aneurysm and aortic dissection. Last evaluated: 2024-03-06. Review status: criteria provided, single submitter. Criteria: ACMG Guidelines, 2015. Collection method: clinical testing. Allele origin: germline.
Comment: This missense variant replaces glutamic acid with lysine at codon 1510 of the MYH11 protein. Computational prediction is inconclusive regarding the impact of this variant on protein structure and function (internally defined REVEL score threshold 0.5 < inconclusive < 0.7, PMID: 27666373). To our knowledge, functional studies have not been reported for this variant. This variant has not been reported in individuals affected with cardiovascular disorders in the literature. This variant has been identified in 1/251492 chromosomes in the general population by the Genome Aggregation Database (gnomAD). The available evidence is insufficient to determine the role of this variant in disease conclusively. Therefore, this variant is classified as a Variant of Uncertain Significance.

Labcorp Genetics (formerly Invitae), Labcorp
Classification: Uncertain significance for Aortic aneurysm, familial thoracic 4. Last evaluated: 2023-06-27. Review status: criteria provided, single submitter. Criteria: Invitae Variant Classification Sherloc (09022015). Collection method: clinical testing. Allele origin: germline.
Comment: This variant has not been reported in the literature in individuals affected with MYH11-related conditions. ClinVar contains an entry for this variant (Variation ID: 1171343). Advanced modeling of protein sequence and biophysical properties (such as structural, functional, and spatial information, amino acid conservation, physicochemical variation, residue mobility, and thermodynamic stability) performed at Invitae indicates that this missense variant is not expected to disrupt MYH11 protein function. In summary, the available evidence is currently insufficient to determine the role of this variant in disease. Therefore, it has been classified as a Variant of Uncertain Significance. This sequence change replaces glutamic acid, which is acidic and polar, with lysine, which is basic and polar, at codon 1510 of the MYH11 protein (p.Glu1510Lys). This variant is present in population databases (rs766093291, gnomAD 0.0009%).